The following is an entry in ClinVar:

NM_182931.3(KMT2E):c.322A>G (p.Thr108Ala)

Gene: KMT2E (lysine methyltransferase 2E (inactive); plus strand). Cytogenetic location: 7q22.3.
Variant type: single nucleotide variant.
Coding change: c.322A>G on transcript NM_182931.3 (MANE Select); coding-DNA position 322, A replaced by G.
Protein change: p.Thr108Ala; replaces threonine 108 with alanine.
Molecular consequence: missense variant.
Genome position (GRCh38, 1-based): chr7:105,063,486, A>G. VCF-style: chr7-105063486-A-G. GRCh37 (hg19) VCF-style: chr7-104703933-A-G.
Other names: c.322A>G, p.Thr108Ala (NM_001410908.1, NM_018682.4); short protein forms T108A.
Identifiers: ClinVar variation 2777702 (VCV002777702.3), dbSNP rs1307148545, ClinGen allele CA368774633.
Genomic context (GRCh38, chr7:105,063,486, plus strand): 5'-GAAGTAGGCATATTTACCACTCCTAATTTTGATGAAACTTCCAGTGCTACTACAATCAGC[A>G]CATCTGAGGATGGAAGTTATGGTACTGATGTAACCAGGTGCATATGTGGTTTTACACATG-3'
Protein context (NP_891847.1, residues 98-118): DETSSATTIS[Thr108Ala]SEDGSYGTDV

ClinVar aggregate classification (germline): Uncertain significance (1 of 4 stars; one submission).

Allele frequency attached by ClinVar (database versions not stated): gnomAD exomes below 0.00001.
gnomAD v4.1: 1 of 1,613,882 alleles (0.000062%); highest among the groups gnomAD compares: Admixed American, 0.0017%; no homozygotes.

Submission:

Labcorp Genetics (formerly Invitae), Labcorp
Classification: Uncertain significance. Last evaluated: 2023-06-20. Review status: criteria provided, single submitter. Criteria: Invitae Variant Classification Sherloc (09022015). Collection method: clinical testing. Allele origin: germline.
Comment: In summary, the available evidence is currently insufficient to determine the role of this variant in disease. Therefore, it has been classified as a Variant of Uncertain Significance. An algorithm developed to predict the effect of missense changes on protein structure and function (PolyPhen-2) suggests that this variant is likely to be tolerated. This variant has not been reported in the literature in individuals affected with KMT2E-related conditions. This variant is present in population databases (no rsID available, gnomAD 0.003%). This sequence change replaces threonine, which is neutral and polar, with alanine, which is neutral and non-polar, at codon 108 of the KMT2E protein (p.Thr108Ala).